The following is an entry in ClinVar:

ClinVar aggregate classification (germline): Uncertain significance (1 of 4 stars; one submission).

Allele frequency attached by ClinVar (database versions not stated): gnomAD 0.00001; TOPMed 0.00003; 1000 Genomes Project 30x 0.00016.
gnomAD v4.1: 27 of 1,612,862 alleles (0.0017%); highest among the groups gnomAD compares: Admixed American, 0.0033%; no homozygotes.

Submission:

Labcorp Genetics (formerly Invitae), Labcorp
Classification: Uncertain significance. Last evaluated: 2022-06-03. Review status: criteria provided, single submitter. Criteria: Invitae Variant Classification Sherloc (09022015). Collection method: clinical testing. Allele origin: germline.
Comment: ClinVar contains an entry for this variant (Variation ID: 1373062). This variant has not been reported in the literature in individuals affected with SAMD11-related conditions. This variant is present in population databases (no rsID available, gnomAD 0.006%). This sequence change replaces threonine, which is neutral and polar, with methionine, which is neutral and non-polar, at codon 642 of the SAMD11 protein (p.Thr642Met). Algorithms developed to predict the effect of missense changes on protein structure and function are either unavailable or do not agree on the potential impact of this missense change (SIFT: "Deleterious"; PolyPhen-2: "Benign"; Align-GVGD: "Class C0"). In summary, the available evidence is currently insufficient to determine the role of this variant in disease. Therefore, it has been classified as a Variant of Uncertain Significance.

NM_001385641.1(SAMD11):c.2414C>T (p.Thr805Met)

Gene: SAMD11 (sterile alpha motif domain containing 11; plus strand). Cytogenetic location: 1p36.33.
Variant type: single nucleotide variant.
Coding change: c.2414C>T on transcript NM_001385641.1 (MANE Select); coding-DNA position 2414, C replaced by T.
Protein change: p.Thr805Met; replaces threonine 805 with methionine.
Molecular consequence: missense variant.
Genome position (GRCh38, 1-based): chr1:944,032, C>T. VCF-style: chr1-944032-C-T. GRCh37 (hg19) VCF-style: chr1-879412-C-T.
Other names: c.2417C>T, p.Thr806Met (NM_001385640.1); c.1925C>T, p.Thr642Met (NM_152486.4); short protein forms T805M, T806M, T642M.
Identifiers: ClinVar variation 1373062 (VCV001373062.8), dbSNP rs772533863, ClinGen allele CA16728498.